The following is an entry in ClinVar:

ClinVar aggregate classification (germline): Uncertain significance. Review status: criteria provided, multiple submitters, no conflicts (2 of 4 stars). 2 submissions from 2 submitters: Uncertain significance (2). Last evaluated 2025-12-23.

Allele frequency attached by ClinVar (database versions not stated): 1000 Genomes Project 0.00020; ExAC 0.00023; gnomAD 0.00029; 1000 Genomes Project 30x 0.00031; gnomAD exomes 0.00033; ESP Exome Variant Server 0.00038; TOPMed 0.00042.
gnomAD v4.1: 536 of 1,613,998 alleles (0.033%); highest among the groups gnomAD compares: Admixed American, 0.052%; no homozygotes.

Submissions (2):

Labcorp Genetics (formerly Invitae), Labcorp
Classification: Uncertain significance. Last evaluated: 2025-12-23. Review status: criteria provided, single submitter. Criteria: Invitae Variant Classification Sherloc (09022015). Collection method: clinical testing. Allele origin: germline.
Comment: This sequence change replaces arginine, which is basic and polar, with glutamine, which is neutral and polar, at codon 283 of the SYNPO protein (p.Arg283Gln). This variant is present in population databases (rs141856687, gnomAD 0.04%). This variant has not been reported in the literature in individuals affected with SYNPO-related conditions. ClinVar contains an entry for this variant (Variation ID: 2072226). An algorithm developed to predict the effect of missense changes on protein structure and function outputs the following: PolyPhen-2: "Benign". The glutamine amino acid residue is found in multiple mammalian species, which suggests that this missense change does not adversely affect protein function. In summary, the available evidence is currently insufficient to determine the role of this variant in disease. Therefore, it has been classified as a Variant of Uncertain Significance.

Ambry Genetics
Classification: Uncertain significance. Last evaluated: 2025-04-01. Review status: criteria provided, single submitter. Criteria: Ambry Variant Classification Scheme 2023. Collection method: clinical testing. Allele origin: germline.

NM_007286.6(SYNPO):c.848G>A (p.Arg283Gln)

Gene: SYNPO (synaptopodin; plus strand). Cytogenetic location: 5q33.1.
Variant type: single nucleotide variant.
Coding change: c.848G>A on transcript NM_007286.6 (MANE Select); coding-DNA position 848, G replaced by A.
Protein change: p.Arg283Gln; replaces arginine 283 with glutamine.
Molecular consequence: missense variant.
Genome position (GRCh38, 1-based): chr5:150,649,123, G>A. VCF-style: chr5-150649123-G-A. GRCh37 (hg19) VCF-style: chr5-150028685-G-A.
Other names: c.1580G>A (NM_001166208.1); c.848G>A, p.Arg283Gln (NM_001109974.3); c.1580G>A, p.Arg527Gln (NM_001166208.2, NM_001166209.2); short protein forms R527Q, R283Q.
Identifiers: ClinVar variation 2072226 (VCV002072226.7), dbSNP rs141856687, ClinGen allele CA3513300.
Genomic context (GRCh38, chr5:150,649,123, plus strand): 5'-GACATTTTGGGGAGAAGGCCCCGGCTCCCCAGCCCCCCAGTTTGCCAGACAGGAGCCCCC[G>A]GCCACAGAGACACATAATGTCCCGCAGCCCCATGGTGGAAAGGAGGATGATGGGGCAGCG-3'
Protein context (NP_009217.3, residues 273-293): QPPSLPDRSP[Arg283Gln]PQRHIMSRSP